The following is an entry in ClinVar:

NM_025137.4(SPG11):c.62C>G (p.Ala21Gly)

Gene: SPG11 (SPG11 vesicle trafficking associated, spatacsin; minus strand). Cytogenetic location: 15q21.1.
Variant type: single nucleotide variant.
Coding change: c.62C>G on transcript NM_025137.4 (MANE Select); coding-DNA position 62, C replaced by G.
Protein change: p.Ala21Gly; replaces alanine 21 with glycine.
Molecular consequence: missense variant.
Genome position (GRCh38, 1-based): chr15:44,663,586, G>C on the plus strand (C>G on the coding strand, the complement: SPG11 is on the minus strand). VCF-style: chr15-44663586-G-C. GRCh37 (hg19) VCF-style: chr15-44955784-G-C.
Other names: c.62C>G, p.Ala21Gly (NM_001160227.2); c.62C>G (NM_025137.3); short protein forms A21G.
Identifiers: ClinVar variation 1350881 (VCV001350881.4), dbSNP rs1178130732, ClinGen allele CA392238850.

ClinVar aggregate classification (germline): Uncertain significance. Review status: criteria provided, multiple submitters, no conflicts (2 of 4 stars). 2 submissions from 2 submitters: Uncertain significance (2). Last evaluated 2024-03-05.

Conditions:
Inborn genetic diseases. Identifiers: MedGen C0950123, MeSH D030342.
Hereditary spastic paraplegia 11. Also called: Spastic Paraplegia 11; Nakamura Osame syndrome; Autosomal recessive hereditary spastic paraplegia, mental impairment, and thin corpus callosum; SPASTIC PARAPLEGIA, AUTOSOMAL RECESSIVE, COMPLICATED, WITH THIN CORPUS CALLOSUM; SPASTIC PARAPLEGIA, AUTOSOMAL RECESSIVE, WITH MENTAL IMPAIRMENT AND THIN CORPUS CALLOSUM; Spastic paraplegia, mental retardation and thin corpus callosum. Identifiers: Orphanet 2822, MedGen C1858479, MONDO:0011445, OMIM 604360.

Allele frequency attached by ClinVar (database versions not stated): gnomAD exomes below 0.00001.
gnomAD v4.1: 1 of 1,596,592 alleles (0.000063%); highest among the groups gnomAD compares: Non-Finnish European, 0.000085%; no homozygotes.

Submissions (2):

Ambry Genetics
Classification: Uncertain significance for Inborn genetic diseases. Last evaluated: 2024-03-05. Review status: criteria provided, single submitter. Criteria: Ambry Variant Classification Scheme 2023. Collection method: clinical testing. Allele origin: germline.

Labcorp Genetics (formerly Invitae), Labcorp
Classification: Uncertain significance for Hereditary spastic paraplegia 11. Last evaluated: 2021-11-12. Review status: criteria provided, single submitter. Criteria: Invitae Variant Classification Sherloc (09022015). Collection method: clinical testing. Allele origin: germline.
Comment: This sequence change replaces alanine, which is neutral and non-polar, with glycine, which is neutral and non-polar, at codon 21 of the SPG11 protein (p.Ala21Gly). The frequency data for this variant in the population databases is considered unreliable, as metrics indicate poor data quality at this position in the gnomAD database. This variant has not been reported in the literature in individuals affected with SPG11-related conditions. Algorithms developed to predict the effect of missense changes on protein structure and function are either unavailable or do not agree on the potential impact of this missense change (SIFT: "Tolerated"; PolyPhen-2: "Not Available"; Align-GVGD: "Class C0"). In summary, the available evidence is currently insufficient to determine the role of this variant in disease. Therefore, it has been classified as a Variant of Uncertain Significance.